The following is an entry in ClinVar:

ClinVar aggregate classification (germline): Uncertain significance (1 of 4 stars; one submission).

Allele frequency attached by ClinVar (database versions not stated): gnomAD exomes below 0.00001.
gnomAD v4.1: 1 of 1,613,758 alleles (0.000062%); highest among the groups gnomAD compares: Admixed American, 0.0017%; no homozygotes.

Submission:

Labcorp Genetics (formerly Invitae), Labcorp
Classification: Uncertain significance. Last evaluated: 2025-10-01. Review status: criteria provided, single submitter. Criteria: Invitae Variant Classification Sherloc (09022015). Collection method: clinical testing. Allele origin: germline.
Comment: This sequence change replaces glutamine, which is neutral and polar, with lysine, which is basic and polar, at codon 271 of the CLUAP1 protein (p.Gln271Lys). This variant is not present in population databases (gnomAD no frequency). This variant has not been reported in the literature in individuals affected with CLUAP1-related conditions. ClinVar contains an entry for this variant (Variation ID: 933865). Invitae Evidence Modeling of protein sequence and biophysical properties (such as structural, functional, and spatial information, amino acid conservation, physicochemical variation, residue mobility, and thermodynamic stability) indicates that this missense variant is not expected to disrupt CLUAP1 protein function with a negative predictive value of 80%. In summary, the available evidence is currently insufficient to determine the role of this variant in disease. Therefore, it has been classified as a Variant of Uncertain Significance.

NM_015041.3(CLUAP1):c.811C>A (p.Gln271Lys)

Gene: CLUAP1 (clusterin associated protein 1; plus strand). Cytogenetic location: 16p13.3.
Variant type: single nucleotide variant.
Coding change: c.811C>A on transcript NM_015041.3 (MANE Select); coding-DNA position 811, C replaced by A.
Protein change: p.Gln271Lys; replaces glutamine 271 with lysine.
Molecular consequence: missense variant.
Genome position (GRCh38, 1-based): chr16:3,523,255, C>A. VCF-style: chr16-3523255-C-A. GRCh37 (hg19) VCF-style: chr16-3573255-C-A.
Other names: c.811C>A, p.Gln271Lys (NM_001330454.2); c.313C>A, p.Gln105Lys (NM_024793.3); short protein forms Q271K, Q105K.
Identifiers: ClinVar variation 933865 (VCV000933865.9), dbSNP rs2037875273, ClinGen allele CA394514325.
Genomic context (GRCh38, chr16:3,523,255, plus strand): 5'-GAATTACAAAAGCAGTATGACACTTATCTGGAGAAATTTCAAAATCTGACTTATCTGGAA[C>A]AACAGCTTGAAGACCATCATAGGATGGAGCAAGAAAGGTTTGAGGTGAGCTGAGCCTGTC-3'
Protein context (NP_055856.1, residues 261-281): EKFQNLTYLE[Gln271Lys]QLEDHHRMEQ